The following is an entry in ClinVar:

ClinVar aggregate classification (germline): Uncertain significance (1 of 4 stars; one submission).

Conditions:
Fibrous dysplasia of jaw (CRBM). Also called: Cherubism. Identifiers: Orphanet 184, MedGen C0008029, MONDO:0007315, OMIM 118400.

gnomAD v4.1: 7 of 1,614,206 alleles (0.00043%); highest among the groups gnomAD compares: South Asian, 0.0077%; no homozygotes.

Submission:

Labcorp Genetics (formerly Invitae), Labcorp
Classification: Uncertain significance for Fibrous dysplasia of jaw. Last evaluated: 2024-04-25. Review status: criteria provided, single submitter. Criteria: Invitae Variant Classification Sherloc (09022015). Collection method: clinical testing. Allele origin: germline.
Comment: This sequence change replaces leucine, which is neutral and non-polar, with valine, which is neutral and non-polar, at codon 164 of the SH3BP2 protein (p.Leu164Val). This variant is present in population databases (rs550467503, gnomAD 0.01%). This variant has not been reported in the literature in individuals affected with SH3BP2-related conditions. Advanced modeling of protein sequence and biophysical properties (such as structural, functional, and spatial information, amino acid conservation, physicochemical variation, residue mobility, and thermodynamic stability) performed at Invitae indicates that this missense variant is not expected to disrupt SH3BP2 protein function with a negative predictive value of 80%. In summary, the available evidence is currently insufficient to determine the role of this variant in disease. Therefore, it has been classified as a Variant of Uncertain Significance.

NM_001122681.2(SH3BP2):c.490C>G (p.Leu164Val)

Gene: SH3BP2 (SH3 domain binding protein 2; plus strand). Cytogenetic location: 4p16.3.
Variant type: single nucleotide variant.
Coding change: c.490C>G on transcript NM_001122681.2 (MANE Select); coding-DNA position 490, C replaced by G.
Protein change: p.Leu164Val; replaces leucine 164 with valine.
Molecular consequence: missense variant.
Genome position (GRCh38, 1-based): chr4:2,827,291, C>G. VCF-style: chr4-2827291-C-G. GRCh37 (hg19) VCF-style: chr4-2829018-C-G.
Other names: c.574C>G, p.Leu192Val (NM_001145855.2); c.661C>G, p.Leu221Val (NM_001145856.2); c.490C>G, p.Leu164Val (NM_003023.4); short protein forms L164V, L192V, L221V.
Identifiers: ClinVar variation 3623705 (VCV003623705.2).